The following is an entry in ClinVar:

ClinVar aggregate classification (germline): Likely benign (0 of 4 stars; one submission).

Conditions:
PLXNA3-related disorder. Also called: PLXNA3-related condition.

gnomAD v4.1: 2 of 1,211,008 alleles (0.00017%); highest among the groups gnomAD compares: Admixed American, 0.0043%; no homozygotes.

Submission:

PreventionGenetics, part of Exact Sciences
Classification: Likely benign for PLXNA3-related condition. Last evaluated: 2021-07-13. Review status: no assertion criteria provided. Collection method: clinical testing. Allele origin: germline.
Comment: This variant is classified as likely benign based on ACMG/AMP sequence variant interpretation guidelines (Richards et al. 2015 PMID: 25741868, with internal and published modifications).

NM_017514.5(PLXNA3):c.5190G>A (p.Lys1730=)

Gene: PLXNA3 (plexin A3; plus strand). Cytogenetic location: Xq28.
Variant type: single nucleotide variant.
Coding change: c.5190G>A on transcript NM_017514.5 (MANE Select); coding-DNA position 5190, G replaced by A.
Protein change: p.Lys1730=; no amino-acid change (lysine 1730 retained).
Molecular consequence: synonymous variant.
Genome position (GRCh38, 1-based): chrX:154,471,138, G>A. VCF-style: chrX-154471138-G-A. GRCh37 (hg19) VCF-style: chrX-153699481-G-A.
Identifiers: ClinVar variation 3357182 (VCV003357182.1).